The following is an entry in ClinVar:

ClinVar aggregate classification (germline): Uncertain significance (1 of 4 stars; one submission).

Submission:

Labcorp Genetics (formerly Invitae), Labcorp
Classification: Uncertain significance. Last evaluated: 2023-09-30. Review status: criteria provided, single submitter. Criteria: Invitae Variant Classification Sherloc (09022015). Collection method: clinical testing. Allele origin: germline.
Comment: In summary, the available evidence is currently insufficient to determine the role of this variant in disease. Therefore, it has been classified as a Variant of Uncertain Significance. Algorithms developed to predict the effect of sequence changes on RNA splicing suggest that this variant may disrupt the consensus splice site. This variant has not been reported in the literature in individuals affected with TNFRSF11A-related conditions. This variant is not present in population databases (gnomAD no frequency). This sequence change affects codon 156 of the TNFRSF11A mRNA. It is a 'silent' change, meaning that it does not change the encoded amino acid sequence of the TNFRSF11A protein.

NM_003839.4(TNFRSF11A):c.468A>G (p.Ala156=)

Gene: TNFRSF11A (TNF receptor superfamily member 11a; plus strand). Cytogenetic location: 18q21.33.
Variant type: single nucleotide variant.
Coding change: c.468A>G on transcript NM_003839.4 (MANE Select); coding-DNA position 468, A replaced by G.
Protein change: p.Ala156=; no amino-acid change (alanine 156 retained).
Molecular consequence: synonymous variant. On other transcripts: splice acceptor variant (1).
Genome position (GRCh38, 1-based): chr18:62,358,288, A>G. VCF-style: chr18-62358288-A-G. GRCh37 (hg19) VCF-style: chr18-60025521-A-G.
Other names: c.468A>G, p.Ala156= (NM_001270949.2, NM_001270950.2, NM_001270951.2); c.428-2A>G (NM_001278268.2).
Identifiers: ClinVar variation 2714893 (VCV002714893.3), dbSNP rs772166671, ClinGen allele CA504078000.